The following is an entry in ClinVar:

NM_007294.4(BRCA1):c.3760A>G (p.Lys1254Glu)

Genes: BRCA1 (BRCA1 DNA repair associated; minus strand), LOC126862571 (BRD4-independent group 4 enhancer GRCh37_chr17:41243136-41244335; plus strand). Cytogenetic location: 17q21.31.
Variant type: single nucleotide variant.
Coding change: c.3760A>G on transcript NM_007294.4 (MANE Select); coding-DNA position 3760, A replaced by G.
Protein change: p.Lys1254Glu; replaces lysine 1254 with glutamic acid.
Molecular consequence: missense variant. On other transcripts: intron variant (135).
Genome position (GRCh38, 1-based): chr17:43,091,771, T>C on the plus strand (A>G on the coding strand, the complement: BRCA1 is on the minus strand). VCF-style: chr17-43091771-T-C. GRCh37 (hg19) VCF-style: chr17-41243788-T-C.
Other names: p.K1254E:AAG>GAG; c.3760A>G, p.Lys1254Glu (NM_001407583.1, NM_001407585.1, NM_001407593.1 and 30 more transcripts); c.3757A>G, p.Lys1253Glu (NM_001407587.1, NM_001407590.1, NM_001407591.1 and 22 more transcripts); c.3751A>G, p.Lys1251Glu (NM_001407646.1, NM_001407647.1); c.3637A>G, p.Lys1213Glu (NM_001407648.1, NM_001407664.1, NM_001407665.1 and 19 more transcripts); c.3634A>G, p.Lys1212Glu (NM_001407649.1, NM_001407670.1, NM_001407671.1 and 11 more transcripts); c.3682A>G, p.Lys1228Glu (NM_001407653.1, NM_001407654.1, NM_001407655.1 and 4 more transcripts); c.3679A>G, p.Lys1227Glu (NM_001407659.1, NM_001407660.1, NM_001407661.1 and 1 more transcripts); and 42 more; short protein forms K1254E, K1207E, K1143E, K1187E, K1212E, K1213E, K1227E, K1253E.
Identifiers: ClinVar variation 54994 (VCV000054994.26), dbSNP rs80357362, ClinGen allele CA002415.

ClinVar aggregate classification (germline): Conflicting classifications of pathogenicity. Review status: criteria provided, conflicting classifications (1 of 4 stars). 8 submissions from 8 submitters: Uncertain significance (5); Likely benign (2). 1 of the submissions does not count toward it. Last evaluated 2025-12-18.

Conditions:
Breast-ovarian cancer, familial, susceptibility to, 1 (BROVCA1). Also called: BRCA1 Hereditary Breast and Ovarian Cancer; OVARIAN CANCER, SUSCEPTIBILITY TO. Identifiers: Orphanet 145, MedGen C2676676, MONDO:0011450, OMIM 604370. Disease mechanism: loss of function.
Hereditary cancer-predisposing syndrome. Also called: Hereditary Cancer Syndrome; Hereditary neoplastic syndrome; Neoplastic Syndromes, Hereditary; Tumor predisposition. Identifiers: Orphanet 140162, MedGen C0027672, MeSH D009386, MONDO:0015356.
Hereditary breast ovarian cancer syndrome. Also called: BRCA1- and BRCA2-Associated Hereditary Breast and Ovarian Cancer; Hereditary breast and ovarian cancer syndrome; Hereditary breast and ovarian cancer syndrome (HBOC); Breast and ovarian cancer; Hereditary breast and/or ovarian cancer syndrome; Hereditary breast and ovarian cancer. Identifiers: Orphanet 145, MedGen C0677776, MeSH D061325, MONDO:0003582. Disease mechanism: loss of function.

Allele frequency attached by ClinVar (database versions not stated): gnomAD exomes below 0.00001; TOPMed 0.00001.
gnomAD v4.1: 5 of 1,614,118 alleles (0.00031%); highest among the groups gnomAD compares: South Asian, 0.0011%; no homozygotes.

Submissions (8):

Labcorp Genetics (formerly Invitae), Labcorp
Classification: Uncertain significance for Hereditary breast ovarian cancer syndrome. Last evaluated: 2025-12-18. Review status: criteria provided, single submitter. Criteria: Invitae Variant Classification Sherloc (09022015). Collection method: clinical testing. Allele origin: germline.
Comment: This sequence change replaces lysine, which is basic and polar, with glutamic acid, which is acidic and polar, at codon 1254 of the BRCA1 protein (p.Lys1254Glu). This variant is not present in population databases (gnomAD no frequency). This missense change has been observed in individual(s) with clinical features of BRCA1-related conditions (PMID: 10923033). ClinVar contains an entry for this variant (Variation ID: 54994). Invitae Evidence Modeling of protein sequence and biophysical properties (such as structural, functional, and spatial information, amino acid conservation, physicochemical variation, residue mobility, and thermodynamic stability) indicates that this missense variant is not expected to disrupt BRCA1 protein function with a negative predictive value of 95%. In summary, the available evidence is currently insufficient to determine the role of this variant in disease. Therefore, it has been classified as a Variant of Uncertain Significance.

Quest Diagnostics Nichols Institute San Juan Capistrano
Classification: Uncertain significance. Last evaluated: 2025-08-08. Review status: criteria provided, single submitter. Criteria: Quest Diagnostics criteria. Collection method: clinical testing. Allele origin: unknown.
Comment: The BRCA1 c.3760A>G (p.Lys1254Glu) variant has been reported in the published literature in a pediatric individual with acute myeloid leukemia (AML) (PMID: 26580448 (2015)) as well as in a reportedly unaffected individual in a large scale breast cancer association study (PMID: 33471991 (2021), see also LOVD). This variant is also described to be located in a region of the BRCA1 gene that is tolerant to missense sequence changes (PMID: 31911673 (2020)). This variant has not been reported in large, multi-ethnic general populations (Genome Aggregation Database). Analysis of this variant using bioinformatics tools for the prediction of the effect of amino acid changes on protein structure and function yielded predictions that this variant is benign. Based on the available information, we are unable to determine the clinical significance of this variant.

Institute for Biomarker Research, Medical Diagnostic Laboratories, L.L.C.
Classification: Uncertain significance for Hereditary breast ovarian cancer syndrome. Last evaluated: 2024-08-20. Review status: criteria provided, single submitter. Criteria: ACMG Guidelines, 2015. Collection method: clinical testing. Allele origin: germline.
Comment: The p.Lys1254Glu variant is not predicted to introduce a novel splice site by any splice site algorithm. The p.Lys1254Glu missense variant is predicted to be tolerated by both SIFT or PolyPhen2. The glutamic acid residue at codon 1254 of BRCA1 is present in Prairie vole and 6 other mammalian species. The nucleotide c.3760 in BRCA1 is not conserved according to a GERP++ and PhyloP analysis of 100 vertebrates. For these reasons, this variant has been classified as Uncertain Significance

University of Washington Department of Laboratory Medicine, University of Washington
Classification: Likely benign for Hereditary cancer-predisposing syndrome. Last evaluated: 2023-03-23. Review status: criteria provided, single submitter. Criteria: Dines et al. (Genet Med. 2020). Collection method: curation. Allele origin: germline.
Comment: Missense variant in a coldspot region where missense variants are very unlikely to be pathogenic (PMID:31911673).

BRCA1 coldspot (exon 11 using historical exon numbering). Reclassification based on statistical prior probability

Ambry Genetics
Classification: Likely benign for Hereditary cancer-predisposing syndrome. Last evaluated: 2021-09-02. Review status: criteria provided, single submitter. Criteria: Ambry Variant Classification Scheme 2023. Collection method: clinical testing. Allele origin: germline.

Color Diagnostics, LLC DBA Color Health
Classification: Uncertain significance for Hereditary cancer-predisposing syndrome. Last evaluated: 2021-02-03. Review status: criteria provided, single submitter. Criteria: ACMG Guidelines, 2015. Collection method: clinical testing. Allele origin: germline.
Comment: This missense variant replaces lysine with glutamic acid at codon 1254 of the BRCA1 protein. Computational prediction suggests that this variant may not impact protein structure and function (internally defined REVEL score threshold <= 0.5, PMID: 27666373). To our knowledge, functional studies have not been reported for this variant. This variant has not been reported in individuals affected with hereditary cancer in the literature. This variant has not been identified in the general population by the Genome Aggregation Database (gnomAD). The available evidence is insufficient to determine the role of this variant in disease conclusively. Therefore, this variant is classified as a Variant of Uncertain Significance.

GeneDx
Classification: Uncertain significance. Last evaluated: 2014-05-13. Review status: criteria provided, single submitter. Criteria: GeneDx Variant Classification (06012015). Collection method: clinical testing. Allele origin: germline. Affected: yes.
Comment: This variant is denoted BRCA1 c.3760A>G at the cDNA level, p.Lys1254Glu (K1254E) at the protein level, and results in the change of a Lysine to a Glutamic Acid (AAG>GAG). This variant resides in a biologically uncharacterized phosphorylation site (Tram 2013). BRCA1 Lys1254Glu was not observed in approximately 6,500 individuals of European and African American ancestry in the NHLBI Exome Sequencing Project, indicating it is not a common benign variant in these populations. Since Lysine and Glutamic Acid differ in polarity, charge, size or other properties, this is considered a non-conservative amino acid substitution. BRCA1 Lys1254Glu occurs at a position that is variable across species and is not located in a known functional domain. In addition, in silico analyses predict that this variant is unlikely to alter protein structure or function. Based on currently available information, it is unclear whether BRCA1 Lys1254Glu is pathogenic or benign. We consider it to be a variant of uncertain significance.

Breast Cancer Information Core (BIC) (BRCA1)
Classification: Uncertain significance for Breast-ovarian cancer, familial 1. Last evaluated: 2004-02-20. Review status: no assertion criteria provided. Collection method: clinical testing. Allele origin: germline. Affected: yes. Observed: 1 variant allele. Not counted in ClinVar's aggregate classification.

Literature cited by the submitters: PubMed 10923033 (cited by Labcorp Genetics (formerly Invitae), Labcorp); PubMed 33471991 (cited by Quest Diagnostics Nichols Institute San Juan Capistrano); PubMed 26580448 (cited by Quest Diagnostics Nichols Institute San Juan Capistrano and Ambry Genetics); PubMed 31911673 (cited by Quest Diagnostics Nichols Institute San Juan Capistrano).